The following continues an entry in ClinVar:

NM_000435.3(NOTCH3):c.1819C>T (p.Arg607Cys)

Gene: NOTCH3. ClinVar aggregate classification (germline): Pathogenic/Likely pathogenic. Pathogenic (13); Likely pathogenic (4).

Submissions 12 to 17 of 17:

ARUP Laboratories, Molecular Genetics and Genomics, ARUP Laboratories
Classification: Pathogenic. Last evaluated: 2023-11-03. Review status: criteria provided, single submitter. Criteria: ARUP Molecular Germline Variant Investigation Process 2024. Collection method: clinical testing. Allele origin: germline.
Comment: The NOTCH3 c.1819C>T; p.Arg607Cys variant (rs777751303), also known as 1897C>T; R607C, is reported in the literature in numerous individuals and families affected with CADASIL (Dotti 2005, Escary 2000, Hu 2021, Mukai 2020, Qin 2019, Singhal 2004, Watanabe 2012). This variant is reported in ClinVar (Variation ID: 374637), and it is only observed on only one allele in the Genome Aggregation Database, indicating it is not a common polymorphism. The arginine at codon 607 is highly conserved and occurs in an EGF-like domain, and computational analyses predict that this variant is deleterious (REVEL: 0.709). Most pathogenic NOTCH3 variants occur in exons 2-24 and either create or destroy a cysteine residue within an EGF-like domain (Rutten 2014), and thus the p.Arg607Cys variant is consistent with the predominant mechanism of disease in NOTCH3. Based on available information, this variant is considered to be pathogenic. References: Dotti MT et al. The spectrum of Notch3 mutations in 28 Italian CADASIL families. J Neurol Neurosurg Psychiatry. 2005 May;76(5):736-8. PMID: 15834039. Escary JL et al. Evaluation of DHPLC analysis in mutational scanning of Notch3, a gene with a high G-C content. Hum Mutat. 2000 Dec;16(6):518-26. PMID: 11102981. Hu Y et al. NOTCH3 Variants and Genotype-Phenotype Features in Chinese CADASIL Patients. Front Genet. 2021 Jul 15;12:705284. PMID: 34335700. Mukai et al. Genotype-phenotype correlations and effect of mutation location in Japanese CADASIL patients. J Hum Genet. 2020 Aug;65(8):637-646. PMID: 32277177. Qin W et al. Clinical Features of 4 Novel NOTCH3 Mutations of Cerebral Autosomal Dominant Arteriopathy with Subcortical Infarcts and Leukoencephalopathy in China. Med Sci Monit Basic Res. 2019 Sep 26;25:199-209. PMID: 31554780. Rutten JW et al. Interpretation of NOTCH3 mutations in the diagnosis of CADASIL. Expert Rev Mol Diagn. 2014 Jun;14(5):593-603. PMID: 24844136. Singhal S et al. The influence of genetic and cardiovascular risk factors on the CADASIL phenotype. Brain. 2004 Sep;127(Pt 9):2031-8. PMID: 15229130. Watanabe M et al. An unusual case of elderly-onset cerebral autosomal dominant arteriopathy with subcortical infarcts and leukoencephalopathy (CADASIL) with multiple cerebrovascular risk factors. J Stroke Cerebrovasc Dis. 2012 Feb;21(2):143-5. PMID: 20851625.

Fulgent Genetics
Classification: Pathogenic for Cerebral arteriopathy, autosomal dominant, with subcortical infarcts and leukoencephalopathy, type 1; Lateral meningocele syndrome; Myofibromatosis, infantile, 2. Last evaluated: 2021-10-10. Review status: criteria provided, single submitter. Criteria: ACMG Guidelines, 2015. Collection method: clinical testing. Allele origin: unknown.

Molecular Genetics, Royal Melbourne Hospital
Classification: Pathogenic for Cerebral arteriopathy, autosomal dominant, with subcortical infarcts and leukoencephalopathy, type 1. Last evaluated: 2021-09-03. Review status: criteria provided, single submitter. Criteria: ACMG Guidelines, 2015. Collection method: clinical testing. Allele origin: germline. Affected: yes.
Comment: This sequence change in NOTCH3 is predicted to replace arginine with cysteine at codon 607 (p.(Arg607Cys)). The arginine residue is moderately conserved (100 vertebrates, UCSC), and introduces an odd number of cysteine residues in EGF-like repeat domain 15 (expected to alter the disulphide bonds in this domain). There is a large physicochemical difference between arginine and cysteine. This variant is present in a single East Asian individual in gnomAD v2.1 (1/109,194 alleles), which is still a plausible population frequency for a dominant condition. This variant has been reported in at least 16 probands/families with a clinical diagnosis of cerebral autosomal dominant arteriopathy with subcortical infarcts and leukoencephalopathy (CADASIL), and is an international recurrent mutation (PMID: 11102981, 12821764, 15229130, 15834039, 28710804, 28991717). The variant has been reported to segregate with CADASIL in multiple families (PMID: 28710804). Multiple lines of computational evidence have conflicting predictions for the missense substitution (3/5 algorithms deleterious). Based on the classification scheme RMH Modified ACMG Guidelines v1.4.0, this variant is classified as PATHOGENIC. Following criteria are met: PS4_VeryStrong, PP1_Strong, PM1,PM2_Supporting.

Blueprint Genetics
Classification: Likely pathogenic for NOTCH3-related disorders. Last evaluated: 2020-09-09. Review status: criteria provided, single submitter. Criteria: ACMG Guidelines, 2015. Collection method: clinical testing. Allele origin: germline. Affected: yes. Observed: 1 variant allele.

CeGaT Center for Human Genetics Tuebingen
Classification: Pathogenic. Last evaluated: 2019-10-01. Review status: criteria provided, single submitter. Criteria: CeGaT Center For Human Genetics Tuebingen Variant Classification Criteria Version 2. Collection method: clinical testing. Allele origin: germline. Affected: yes. Observed: 4 variant alleles.

Clinical Genetics Service, Universitary Hospital 12 de Octubre
Classification: Pathogenic for Cerebral arteriopathy, autosomal dominant, with subcortical infarcts and leukoencephalopathy, type 1. Review status: criteria provided, single submitter. Criteria: ACMG Guidelines, 2015. Collection method: clinical testing. Allele origin: germline. Affected: yes.

Literature cited by the submitters: PubMed 15834039 (cited by 4 submitters); PubMed 20851625 (cited by 3 submitters); PubMed 20935329 (cited by 3 submitters); PubMed 31554780 (cited by Labcorp Genetics (formerly Invitae), Labcorp and Athena Diagnostics); PubMed 11102981 (cited by 4 submitters); PubMed 32277177 (cited by Women's Health and Genetics/Laboratory Corporation of America, LabCorp); PubMed 15229130 (cited by 3 submitters); PubMed 28710804 (cited by 3 submitters); PubMed 28991717 (cited by 3 submitters); PubMed 30311053 (cited by Mayo Clinic Laboratories, Mayo Clinic and Athena Diagnostics); PubMed 12821764 (cited by Athena Diagnostics and Molecular Genetics, Royal Melbourne Hospital); PubMed 31028544 (cited by Athena Diagnostics); PubMed 30956055 (cited by Athena Diagnostics).